The following is an entry in ClinVar:

NM_147127.5(EVC2):c.2842_2848del (p.Leu948fs)

Gene: EVC2 (EvC ciliary complex subunit 2; minus strand). Cytogenetic location: 4p16.2.
Variant type: Deletion.
Coding change: c.2842_2848del on transcript NM_147127.5 (MANE Select); coding-DNA positions 2842 to 2848, 7 bases deleted (TTGCTGC; older notation c.2842_2848delTTGCTGC).
Protein change: p.Leu948fs; shifts the reading frame from leucine 948.
Molecular consequence: frameshift variant.
Genome position (GRCh38, 1-based): chr4:5,584,832-5,584,838, GCAGCAA deleted on the plus strand (TTGCTGC on the coding strand, the reverse complement: EVC2 is on the minus strand). VCF-style (leftmost placement, unchanged base first): chr4-5584831-CGCAGCAA-C. GRCh37 (hg19) VCF-style: chr4-5586558-CGCAGCAA-C.
Other names: c.2602_2608del, p.Leu868fs (NM_001166136.2); short protein forms L868fs, L948fs.
Identifiers: ClinVar variation 1724085 (VCV001724085.2), dbSNP rs2475236700, ClinGen allele CA2580070744.

ClinVar aggregate classification (germline): Likely pathogenic (1 of 4 stars; one submission).

Conditions:
Ellis-van Creveld syndrome (EVC). Also called: EVC-Related Ellis-van Creveld Syndrome; EVC2-Related Ellis-van Creveld Syndrome; MESOECTODERMAL DYSPLASIA; Chondroectodermal dysplasia. Identifiers: Orphanet 289, MedGen C0013903, MONDO:0009162, OMIM 225500.

Submission:

Myriad Genetics, Inc.
Classification: Likely pathogenic for Ellis-van Creveld syndrome. Last evaluated: 2022-01-25. Review status: criteria provided, single submitter. Criteria: Myriad Women's Health Autosomal Recessive and X-Linked Classification Criteria (2021). Collection method: clinical testing. Allele origin: unknown.
Comment: NM_147127.4(EVC2):c.2842_2848del7(L948Gfs*29) is expected to be pathogenic in the context of EVC2-related Ellis-van Creveld syndrome. This variant is predicted to lead to an abnormal or absent protein product due to the creation of a premature termination codon in EVC2, a gene where loss-of-function variants are known to be pathogenic. Please note: this variant was assessed in the context of healthy population screening.